The following is an entry in ClinVar:

ClinVar aggregate classification (germline): Uncertain significance (1 of 4 stars; one submission).

Conditions:
Intellectual developmental disorder, autosomal dominant 1. Also called: Intellectual disability, autosomal dominant 1; MBD5 Haploinsufficiency. Identifiers: Orphanet 228402, MedGen C1969562, MONDO:0007974, OMIM 156200.

Submission:

Labcorp Genetics (formerly Invitae), Labcorp
Classification: Uncertain significance for Intellectual developmental disorder, autosomal dominant 1. Last evaluated: 2025-03-23. Review status: criteria provided, single submitter. Criteria: Invitae Variant Classification Sherloc (09022015). Collection method: clinical testing. Allele origin: germline.
Comment: This sequence change replaces valine, which is neutral and non-polar, with isoleucine, which is neutral and non-polar, at codon 680 of the MBD5 protein (p.Val680Ile). This variant is not present in population databases (gnomAD no frequency). This variant has not been reported in the literature in individuals affected with MBD5-related conditions. ClinVar contains an entry for this variant (Variation ID: 2085953). Invitae Evidence Modeling of protein sequence and biophysical properties (such as structural, functional, and spatial information, amino acid conservation, physicochemical variation, residue mobility, and thermodynamic stability) indicates that this missense variant is not expected to disrupt MBD5 protein function with a negative predictive value of 80%. In summary, the available evidence is currently insufficient to determine the role of this variant in disease. Therefore, it has been classified as a Variant of Uncertain Significance.

NM_001378120.1(MBD5):c.2038G>A (p.Val680Ile)

Gene: MBD5 (methyl-CpG binding domain protein 5; plus strand). Cytogenetic location: 2q23.1.
Variant type: single nucleotide variant.
Coding change: c.2038G>A on transcript NM_001378120.1 (MANE Select); coding-DNA position 2038, G replaced by A.
Protein change: p.Val680Ile; replaces valine 680 with isoleucine.
Molecular consequence: missense variant.
Genome position (GRCh38, 1-based): chr2:148,469,981, G>A. VCF-style: chr2-148469981-G-A. GRCh37 (hg19) VCF-style: chr2-149227550-G-A.
Other names: c.2038G>A, p.Val680Ile (NM_018328.5); short protein forms V680I.
Identifiers: ClinVar variation 2085953 (VCV002085953.4), dbSNP rs2469872622, ClinGen allele CA348720977.